The following is an entry in ClinVar:

ClinVar aggregate classification (germline): Pathogenic (1 of 4 stars; one submission).

Allele frequency attached by ClinVar (database versions not stated): gnomAD exomes below 0.00001.
gnomAD v4.1: 1 of 1,614,198 alleles (0.000062%); highest among the groups gnomAD compares: Non-Finnish European, 0.000085%; no homozygotes.

Submission:

Labcorp Genetics (formerly Invitae), Labcorp
Classification: Pathogenic. Last evaluated: 2023-06-02. Review status: criteria provided, single submitter. Criteria: Invitae Variant Classification Sherloc (09022015). Collection method: clinical testing. Allele origin: germline.
Comment: This variant has not been reported in the literature in individuals affected with TG-related conditions. This variant is not present in population databases (gnomAD no frequency). This sequence change creates a premature translational stop signal (p.Gln1404*) in the TG gene. It is expected to result in an absent or disrupted protein product. Loss-of-function variants in TG are known to be pathogenic (PMID: 19837936, 23164529). Algorithms developed to predict the effect of sequence changes on RNA splicing suggest that this variant may disrupt the consensus splice site. For these reasons, this variant has been classified as Pathogenic.

Literature cited by the submitters: PubMed 19837936; PubMed 23164529.

NM_003235.5(TG):c.4210C>T (p.Gln1404Ter)

Gene: TG (thyroglobulin; plus strand). Cytogenetic location: 8q24.22.
Variant type: single nucleotide variant.
Coding change: c.4210C>T on transcript NM_003235.5 (MANE Select); coding-DNA position 4210, C replaced by T.
Protein change: p.Gln1404Ter; replaces glutamine 1404 with a stop codon.
Molecular consequence: nonsense.
Genome position (GRCh38, 1-based): chr8:132,913,097, C>T. VCF-style: chr8-132913097-C-T. GRCh37 (hg19) VCF-style: chr8-133925342-C-T.
Other names: short protein forms Q1404*.
Identifiers: ClinVar variation 2758278 (VCV002758278.3), dbSNP rs1819764921, ClinGen allele CA372246198.